The following is an entry in ClinVar:

ClinVar aggregate classification (germline): Uncertain significance (1 of 4 stars; one submission).

Allele frequency attached by ClinVar (database versions not stated): gnomAD 0.00004; ESP Exome Variant Server 0.00008; gnomAD exomes below 0.00001; ExAC 0.00001; TOPMed 0.00005.

Submission:

Labcorp Genetics (formerly Invitae), Labcorp
Classification: Uncertain significance. Last evaluated: 2025-05-02. Review status: criteria provided, single submitter. Criteria: Invitae Variant Classification Sherloc (09022015). Collection method: clinical testing. Allele origin: germline.
Comment: This sequence change falls in intron 2 of the GINS1 gene. It does not directly change the encoded amino acid sequence of the GINS1 protein. It affects a nucleotide within the consensus splice site. This variant is present in population databases (rs759992752, gnomAD 0.008%). This variant has not been reported in the literature in individuals affected with GINS1-related conditions. ClinVar contains an entry for this variant (Variation ID: 2960130). Variants that disrupt the consensus splice site are a relatively common cause of aberrant splicing (PMID: 17576681, 9536098). Algorithms developed to predict the effect of sequence changes on RNA splicing suggest that this variant is not likely to affect RNA splicing. In summary, the available evidence is currently insufficient to determine the role of this variant in disease. Therefore, it has been classified as a Variant of Uncertain Significance.

Literature cited by the submitters: PubMed 17576681; PubMed 9536098.

NM_021067.5(GINS1):c.141-3del

Gene: GINS1 (GINS complex subunit 1; plus strand). Cytogenetic location: 20p11.21.
Variant type: Deletion.
Coding change: c.141-3del on transcript NM_021067.5 (MANE Select); 3 bases into the intron before coding-DNA position 141, one base deleted (C; older notation c.141-3delC).
Molecular consequence: intron variant.
Genome position (GRCh38, 1-based): chr20:25,417,101, C deleted. VCF-style (leftmost placement, unchanged base first): chr20-25417100-TC-T. GRCh37 (hg19) VCF-style: chr20-25397736-TC-T.
Other names: c.141-3del (NM_001410830.1); c.76-8110del (NM_001410831.1).
Identifiers: ClinVar variation 2960130 (VCV002960130.3), dbSNP rs759992752, ClinGen allele CA9796438.